The following is an entry in ClinVar:

NM_000038.6(APC):c.4561G>A (p.Glu1521Lys)

Gene: APC (APC regulator of Wnt signaling pathway; plus strand). Cytogenetic location: 5q22.2.
Variant type: single nucleotide variant.
Coding change: c.4561G>A on transcript NM_000038.6 (MANE Select); coding-DNA position 4561, G replaced by A.
Protein change: p.Glu1521Lys; replaces glutamic acid 1521 with lysine.
Molecular consequence: missense variant.
Genome position (GRCh38, 1-based): chr5:112,840,155, G>A. VCF-style: chr5-112840155-G-A. GRCh37 (hg19) VCF-style: chr5-112175852-G-A.
Other names: c.4561G>A, p.Glu1521Lys (NM_001127510.3, NM_001354895.2, NM_001407450.1); c.4507G>A, p.Glu1503Lys (NM_001127511.3); c.4615G>A, p.Glu1539Lys (NM_001354896.2, NM_001407447.1, NM_001407448.1 and 1 more transcripts); c.4591G>A, p.Glu1531Lys (NM_001354897.2); c.4486G>A, p.Glu1496Lys (NM_001354898.2); c.4477G>A, p.Glu1493Lys (NM_001354899.2); c.4438G>A, p.Glu1480Lys (NM_001354900.2); c.4384G>A, p.Glu1462Lys (NM_001354901.2, NM_001407453.1); and 11 more; short protein forms E1238K, E1392K, E1462K, E1503K, E1511K, E1521K, E1539K, E1361K.
Identifiers: ClinVar variation 1741498 (VCV001741498.2), dbSNP rs2149917594, ClinGen allele CA16031315.
Genomic context (GRCh38, chr5:112,840,155, plus strand): 5'-TCTTGTTCATCCAGCCTGAGTGCTCTGAGCCTCGATGAGCCATTTATACAGAAAGATGTG[G>A]AATTAAGAATAATGCCTCCAGTTCAGGAAAATGACAATGGGAATGAAACAGAATCAGAGC-3'
Protein context (NP_000029.2, residues 1511-1531): LDEPFIQKDV[Glu1521Lys]LRIMPPVQEN

ClinVar aggregate classification (germline): Uncertain significance (1 of 4 stars; one submission).

Conditions:
Hereditary cancer-predisposing syndrome. Also called: Hereditary Cancer Syndrome; Hereditary neoplastic syndrome; Neoplastic Syndromes, Hereditary; Tumor predisposition. Identifiers: Orphanet 140162, MedGen C0027672, MeSH D009386, MONDO:0015356.

Allele frequency attached by ClinVar (database versions not stated): gnomAD exomes below 0.00001.
gnomAD v4.1: 1 of 1,614,064 alleles (0.000062%); highest among the groups gnomAD compares: Non-Finnish European, 0.000085%; no homozygotes.

Submission:

Ambry Genetics
Classification: Uncertain significance for Hereditary cancer-predisposing syndrome. Last evaluated: 2022-08-11. Review status: criteria provided, single submitter. Criteria: Ambry Variant Classification Scheme 2023. Collection method: clinical testing. Allele origin: germline.
Comment: The p.E1521K variant (also known as c.4561G>A), located in coding exon 15 of the APC gene, results from a G to A substitution at nucleotide position 4561. The glutamic acid at codon 1521 is replaced by lysine, an amino acid with similar properties. This amino acid position is conserved. In addition, in silico predictors for this gene do not accurately predict pathogenicity. Since supporting evidence is limited at this time, the clinical significance of this alteration remains unclear.